The following is an entry in ClinVar:

ClinVar aggregate classification (germline): Uncertain significance (1 of 4 stars; one submission).

Conditions:
Hereditary cancer-predisposing syndrome. Also called: Neoplastic Syndromes, Hereditary; Tumor predisposition; Hereditary neoplastic syndrome; Hereditary Cancer Syndrome. Identifiers: Orphanet 140162, MedGen C0027672, MeSH D009386, MONDO:0015356.

Submission:

Ambry Genetics
Classification: Uncertain significance for Hereditary cancer-predisposing syndrome. Last evaluated: 2019-10-22. Review status: criteria provided, single submitter. Criteria: Ambry Variant Classification Scheme 2023. Collection method: clinical testing. Allele origin: germline.
Comment: The p.C12Y variant (also known as c.35G>A), located in coding exon 1 of the ATM gene, results from a G to A substitution at nucleotide position 35. The cysteine at codon 12 is replaced by tyrosine, an amino acid with highly dissimilar properties. This alteration has been reported in at least one subject in a study of 13087 breast cancer cases and 5488 control individuals in the UK (Decker B et al. J. Med. Genet. 2017 11;54:732-741). This amino acid position is highly conserved in available vertebrate species. In addition, this alteration is predicted to be deleterious by in silico analysis. Since supporting evidence is limited at this time, the clinical significance of this alteration remains unclear.

Literature cited by the submitters: PubMed 28779002.

NM_000051.4(ATM):c.35G>A (p.Cys12Tyr)

Gene: ATM (ATM serine/threonine kinase; plus strand). Cytogenetic location: 11q22.3.
Variant type: single nucleotide variant.
Coding change: c.35G>A on transcript NM_000051.4 (MANE Select); coding-DNA position 35, G replaced by A.
Protein change: p.Cys12Tyr; replaces cysteine 12 with tyrosine.
Molecular consequence: missense variant.
Genome position (GRCh38, 1-based): chr11:108,227,659, G>A. VCF-style: chr11-108227659-G-A. GRCh37 (hg19) VCF-style: chr11-108098386-G-A.
Other names: c.35G>A, p.Cys12Tyr (NM_001351834.2, NM_001351835.2, NM_001351836.2); short protein forms C12Y.
Identifiers: ClinVar variation 823975 (VCV000823975.4), dbSNP rs1591445899, ClinGen allele CA382519086.
Genomic context (GRCh38, chr11:108,227,659, plus strand): 5'-TGATGTGTGTTCTGAAATTGTGAACCATGAGTCTAGTACTTAATGATCTGCTTATCTGCT[G>A]CCGTCAACTAGAACATGATAGAGCTACAGAACGAAAGGTAGTAAATTACTTAAATTCAAT-3'
Protein context (NP_000042.3, residues 2-22): SLVLNDLLIC[Cys12Tyr]RQLEHDRATE